The following is an entry in ClinVar:

NM_173565.5(RSPH10B):c.2246_2247del (p.Arg749fs)

Gene: RSPH10B (radial spoke head 10 homolog B; minus strand). Cytogenetic location: 7p22.1.
Variant type: Microsatellite.
Coding change: c.2246_2247del on transcript NM_173565.5 (MANE Select); coding-DNA positions 2246 to 2247, 2 bases deleted (GA; older notation c.2246_2247delGA).
Protein change: p.Arg749fs; shifts the reading frame from arginine 749.
Molecular consequence: frameshift variant.
Genome position (GRCh38, 1-based): chr7:5,928,381-5,928,382, TC deleted on the plus strand (GA on the coding strand, the reverse complement: RSPH10B is on the minus strand); deleting any 2 consecutive bases within chr7:5,928,381-5,928,386 gives the same sequence; the c. name uses the placement nearest the transcript's 3' end. VCF-style (leftmost placement, unchanged base first): chr7-5928380-GTC-G. GRCh37 (hg19) VCF-style: chr7-5968011-GTC-G.
Other names: short protein forms R749fs.
Identifiers: ClinVar variation 4880096 (VCV004880096.1).

ClinVar aggregate classification (germline): Uncertain significance (1 of 4 stars; one submission).

Conditions:
Primary ciliary dyskinesia. Also called: Ciliary dyskinesia. Identifiers: Orphanet 244, MedGen C0008780, MONDO:0016575, HP:0012265.

Submission:

Department of Human Genetics, Hannover Medical School
Classification: Uncertain significance for Primary Ciliary Dyskinesia. Last evaluated: 2026-04-01. Review status: criteria provided, single submitter. Criteria: ACMG Guidelines, 2015. Collection method: research. Allele origin: germline. Affected: no.
Comment: Classification performed by HerediClassify using the following criteria:['PM2_supporting: Variant occures does not occur as homozygous in gnomAD.', 'PVS1_protein_strong: Transcript ENST00000404406 is not predicted to undergo NMD. Protein length change of 0.13678160919540228 observed.']